The following is an entry in ClinVar:

ClinVar aggregate classification (germline): Uncertain significance (1 of 4 stars; one submission).

Submission:

GeneDx
Classification: Uncertain significance. Last evaluated: 2023-05-25. Review status: criteria provided, single submitter. Criteria: GeneDx Variant Classification Process June 2021. Collection method: clinical testing. Allele origin: germline. Affected: yes.
Comment: In silico analysis supports that this variant does not alter splicing; Has not been previously published as pathogenic or benign to our knowledge

NM_002700.3(POU4F3):c.168C>T (p.Arg56=)

Genes: POU4F3 (POU class 4 homeobox 3; plus strand), LOC127814297 (RBM27-POU4F3; plus strand). Cytogenetic location: 5q32.
Variant type: single nucleotide variant.
Coding change: c.168C>T on transcript NM_002700.3 (MANE Select); coding-DNA position 168, C replaced by T.
Protein change: p.Arg56=; no amino-acid change (arginine 56 retained).
Molecular consequence: synonymous variant. On other transcripts: 3 prime UTR variant (1).
Genome position (GRCh38, 1-based): chr5:146,339,595, C>T. VCF-style: chr5-146339595-C-T. GRCh37 (hg19) VCF-style: chr5-145719158-C-T.
Other names: c.*37C>T (NM_001414499.1).
Identifiers: ClinVar variation 3343555 (VCV003343555.1).
Genomic context (GRCh38, chr5:146,339,595, plus strand): 5'-TTCTCGCTTGCAGCTGCAGGGTAATATATTTGGAAGCTTTGATGAGAGCCTGCTGGCACG[C>T]GCCGAAGCTCTGGCGGCGGTGGATATCGTCTCCCACGGCAAGAACCATCCGTTCAAGCCC-3'
Protein context (NP_002691.1, residues 46-66): FGSFDESLLA[Arg56=]AEALAAVDIV